The following is an entry in ClinVar:

ClinVar aggregate classification (germline): Pathogenic (1 of 4 stars; one submission).

Allele frequency attached by ClinVar (database versions not stated): TOPMed 0.00001.

Submission:

Labcorp Genetics (formerly Invitae), Labcorp
Classification: Pathogenic. Last evaluated: 2022-07-12. Review status: criteria provided, single submitter. Criteria: Invitae Variant Classification Sherloc (09022015). Collection method: clinical testing. Allele origin: germline.
Comment: This variant is not present in population databases (gnomAD no frequency). This sequence change replaces glycine, which is neutral and non-polar, with alanine, which is neutral and non-polar, at codon 456 of the ALPL protein (p.Gly456Ala). This missense change has been observed in individual(s) with hypophosphatasia (Invitae). In at least one individual the data is consistent with being in trans (on the opposite chromosome) from a pathogenic variant. For these reasons, this variant has been classified as Pathogenic. This variant disrupts the p.Gly456 amino acid residue in ALPL. Other variant(s) that disrupt this residue have been determined to be pathogenic (PMID: 8954059, 19500388, 31641588). This suggests that this residue is clinically significant, and that variants that disrupt this residue are likely to be disease-causing. Advanced modeling of protein sequence and biophysical properties (such as structural, functional, and spatial information, amino acid conservation, physicochemical variation, residue mobility, and thermodynamic stability) performed at Invitae indicates that this missense variant is expected to disrupt ALPL protein function. ClinVar contains an entry for this variant (Variation ID: 1457398).

Literature cited by the submitters: PubMed 8954059; PubMed 19500388; PubMed 31641588.

NM_000478.6(ALPL):c.1367G>C (p.Gly456Ala)

Gene: ALPL (alkaline phosphatase, biomineralization associated; plus strand). Cytogenetic location: 1p36.12.
Variant type: single nucleotide variant.
Coding change: c.1367G>C on transcript NM_000478.6 (MANE Select); coding-DNA position 1367, G replaced by C.
Protein change: p.Gly456Ala; replaces glycine 456 with alanine.
Molecular consequence: missense variant.
Genome position (GRCh38, 1-based): chr1:21,577,440, G>C. VCF-style: chr1-21577440-G-C. GRCh37 (hg19) VCF-style: chr1-21903933-G-C.
Other names: c.1202G>C, p.Gly401Ala (NM_001127501.4); c.1136G>C, p.Gly379Ala (NM_001177520.3); c.1367G>C, p.Gly456Ala (NM_001369803.2, NM_001369804.2, NM_001369805.2); short protein forms G401A, G379A, G456A.
Identifiers: ClinVar variation 1457398 (VCV001457398.8), dbSNP rs1644753808, ClinGen allele CA338882048.